The following is an entry in ClinVar:

ClinVar aggregate classification (germline): Benign/Likely benign. Review status: criteria provided, multiple submitters, no conflicts (2 of 4 stars). 2 submissions from 2 submitters: Benign (1); Likely benign (1). Last evaluated 2024-10-21.

Conditions:
Hereditary leiomyomatosis and renal cell cancer. Also called: MULTIPLE CUTANEOUS AND UTERINE LEIOMYOMATA 1, WITH OR WITHOUT RENAL CELL CARCINOMA; LEIOMYOMA, MULTIPLE CUTANEOUS; Reed syndrome; Multiple cutaneous and uterine leiomyomatosis; Cutaneous leiomyomata with uterine leiomyomata; Leiomyoma, hereditary multiple, of skin. Identifiers: Orphanet 523, MedGen C1708350, MONDO:0007888, OMIM 150800, HP:0007437. Disease mechanism: loss of function.

Submissions (2):

Myriad Genetics, Inc.
Classification: Benign for Hereditary leiomyomatosis and renal cell cancer. Last evaluated: 2024-10-21. Review status: criteria provided, single submitter. Criteria: Myriad Autosomal Dominant, Autosomal Recessive and X-Linked Classification Criteria (2023). Collection method: clinical testing. Allele origin: unknown.
Comment: This variant is considered benign. This variant is a silent/synonymous amino acid change and it is not expected to impact splicing.

Labcorp Genetics (formerly Invitae), Labcorp
Classification: Likely benign. Last evaluated: 2023-02-26. Review status: criteria provided, single submitter. Criteria: Invitae Variant Classification Sherloc (09022015). Collection method: clinical testing. Allele origin: germline.

NM_000143.4(FH):c.1386T>C (p.His462=)

Gene: FH (fumarate hydratase; minus strand). Cytogenetic location: 1q43.
Variant type: single nucleotide variant.
Coding change: c.1386T>C on transcript NM_000143.4 (MANE Select); coding-DNA position 1386, T replaced by C.
Protein change: p.His462=; no amino-acid change (histidine 462 retained).
Molecular consequence: synonymous variant.
Genome position (GRCh38, 1-based): chr1:241,500,441, A>G on the plus strand (T>C on the coding strand, the complement: FH is on the minus strand). VCF-style: chr1-241500441-A-G. GRCh37 (hg19) VCF-style: chr1-241663741-A-G.
Identifiers: ClinVar variation 2841191 (VCV002841191.4), dbSNP rs2527312736, ClinGen allele CA424075453.